The following is an entry in ClinVar:

ClinVar aggregate classification (germline): Likely pathogenic (1 of 4 stars; one submission).

Conditions:
Distal arthrogryposis type 5D (DA5D). Identifiers: Orphanet 329457, MedGen C3554415, MONDO:0014028, OMIM 615065.

gnomAD v4.1: 7 of 1,613,990 alleles (0.00043%); highest among the groups gnomAD compares: Non-Finnish European, 0.00059%; no homozygotes.

Submission:

ARUP Laboratories, Molecular Genetics and Genomics, ARUP Laboratories
Classification: Likely pathogenic for Distal arthrogryposis type 5D. Last evaluated: 2022-09-14. Review status: criteria provided, single submitter. Criteria: ARUP Molecular Germline Variant Investigation Process 2021. Collection method: clinical testing. Allele origin: germline.
Comment: The ECEL1 c.1779C>G; p.Tyr593Ter variant, to our knowledge, is not reported in the medical literature or gene specific databases. This variant is also absent from the Genome Aggregation Database, indicating it is not a common polymorphism. This variant induces an early termination codon and is predicted to result in a truncated protein or mRNA subject to nonsense-mediated decay. Based on available information, this variant is considered to be likely pathogenic.

NM_004826.4(ECEL1):c.1779C>G (p.Tyr593Ter)

Gene: ECEL1 (endothelin converting enzyme like 1; minus strand). Cytogenetic location: 2q37.1.
Variant type: single nucleotide variant.
Coding change: c.1779C>G on transcript NM_004826.4 (MANE Select); coding-DNA position 1779, C replaced by G.
Protein change: p.Tyr593Ter; replaces tyrosine 593 with a stop codon.
Molecular consequence: nonsense.
Genome position (GRCh38, 1-based): chr2:232,482,435, G>C on the plus strand (C>G on the coding strand, the complement: ECEL1 is on the minus strand). VCF-style: chr2-232482435-G-C. GRCh37 (hg19) VCF-style: chr2-233347145-G-C.
Other names: c.1773C>G, p.Tyr591Ter (NM_001290787.2); short protein forms Y591*, Y593*.
Identifiers: ClinVar variation 2428667 (VCV002428667.3), dbSNP rs552489480, ClinGen allele CA350997788.